The following is an entry in ClinVar:

ClinVar aggregate classification (germline): Uncertain significance (1 of 4 stars; one submission).

Conditions:
Inborn genetic diseases. Identifiers: MedGen C0950123, MeSH D030342.

gnomAD v4.1: 2 of 1,613,208 alleles (0.00012%); highest among the groups gnomAD compares: Non-Finnish European, 0.000085%; no homozygotes.

Submission:

Ambry Genetics
Classification: Uncertain significance for Inborn genetic diseases. Last evaluated: 2025-01-14. Review status: criteria provided, single submitter. Criteria: Ambry Variant Classification Scheme 2023. Collection method: clinical testing. Allele origin: germline.
Comment: The p.P330S variant (also known as c.988C>T), located in coding exon 8 of the PAX5 gene, results from a C to T substitution at nucleotide position 988. The proline at codon 330 is replaced by serine, an amino acid with similar properties. This amino acid position is conserved. In addition, this alteration is predicted to be tolerated by in silico analysis. Based on the available evidence, the clinical significance of this variant remains unclear.

NM_016734.3(PAX5):c.988C>T (p.Pro330Ser)

Gene: PAX5 (paired box 5; minus strand). Cytogenetic location: 9p13.2.
Variant type: single nucleotide variant.
Coding change: c.988C>T on transcript NM_016734.3 (MANE Select); coding-DNA position 988, C replaced by T.
Protein change: p.Pro330Ser; replaces proline 330 with serine.
Molecular consequence: missense variant. On other transcripts: non-coding transcript variant (2), intron variant (6).
Genome position (GRCh38, 1-based): chr9:36,882,028, G>A on the plus strand (C>T on the coding strand, the complement: PAX5 is on the minus strand). VCF-style: chr9-36882028-G-A. GRCh37 (hg19) VCF-style: chr9-36882025-G-A.
Other names: c.988C>T, p.Pro330Ser (NM_001280548.2); c.859C>T, p.Pro287Ser (NM_001280553.2, NM_001280554.2); c.664C>T, p.Pro222Ser (NM_001280556.2); c.586+41327C>T (NM_001280551.2); c.713-35099C>T (NM_001280555.2); c.781-41392C>T (NM_001280550.2); c.781-35099C>T (NM_001280549.2); c.910+41327C>T (NM_001280552.2); and 1 more; short protein forms P330S, P222S, P287S.
Identifiers: ClinVar variation 3885927 (VCV003885927.1).